The following is an entry in ClinVar:

NC_000011.9:g.(1467138_1471005)_(1477918_1480421)del

Gene: BRSK2 (BR serine/threonine kinase 2; plus strand). Cytogenetic location: 11p15.5.
Variant type: Deletion.
Identifiers: ClinVar variation 2691499 (VCV002691499.1).

ClinVar aggregate classification (germline): Likely pathogenic (1 of 4 stars; one submission).

Conditions:
BRSK2-related disorder. Also called: BRSK2-related condition; BRSK2-Related Disorders.

Submission:

Women's Health and Genetics/Laboratory Corporation of America, LabCorp
Classification: Likely pathogenic for BRSK2-Related Disorders. Last evaluated: 2023-12-07. Review status: criteria provided, single submitter. Criteria: LabCorp Variant Classification Summary - May 2015. Collection method: clinical testing. Allele origin: germline.
Comment: Variant summary: The variant involves the deletion of exons 13-18 in the BRSK2 gene. A presumed nomenclature of c.(1226+1_1227-1)_(1939+1_1940-1)del has been designated for the purposes of this classification. The variant was absent in 99,046 control chromosomes in the gnomAD database (structural variants dataset 4.0). To our knowledge, no occurrence of c.(1226+1_1227-1)_(1939+1_1940-1)del in individuals affected with BRSK2-Related Disorders and no experimental evidence demonstrating its impact on protein function have been reported. However, loss-of-function variants in the BRSK2 gene are reported to be associated with disease (PMID 30879638). No submitters have cited clinical-significance assessments for this variant to ClinVar after 2014. Based on the evidence outlined above, the variant was classified as likely pathogenic.